The following continues an entry in ClinVar:

NM_000059.4(BRCA2):c.6591_6592del (p.Glu2198fs)

Gene: BRCA2. ClinVar aggregate classification (germline): Pathogenic. Pathogenic (1).

Submissions 28 to 37 of 37:

CZECANCA consortium
Classification: Pathogenic for Endometrial carcinoma. Last evaluated: 2023-02-21. Review status: no assertion criteria provided. Collection method: clinical testing. Allele origin: germline. Affected: yes. Observed: 1 variant allele. Not counted in ClinVar's aggregate classification.

BRCAlab, Lund University
Classification: Pathogenic for Breast-ovarian cancer, familial, susceptibility to, 2. Last evaluated: 2020-03-02. Review status: no assertion criteria provided. Collection method: clinical testing. Allele origin: germline. Affected: yes. Not counted in ClinVar's aggregate classification.

CZECANCA consortium
Classification: Pathogenic for Breast and/or ovarian cancer. Last evaluated: 2019-06-11. Review status: no assertion criteria provided. Collection method: clinical testing. Allele origin: germline. Affected: yes. Observed: 2 variant alleles. Not counted in ClinVar's aggregate classification.

Counsyl
Classification: Pathogenic for Breast-ovarian cancer, familial, susceptibility to, 2. Last evaluated: 2016-07-06. Review status: no assertion criteria provided. Collection method: clinical testing. Allele origin: unknown. Not counted in ClinVar's aggregate classification.

Research Molecular Genetics Laboratory, Women's College Hospital, University of Toronto
Classification: Pathogenic for Hereditary breast ovarian cancer syndrome. Last evaluated: 2014-01-31. Review status: no assertion criteria provided. Collection method: research. Allele origin: germline. Affected: yes. Study: The Canadian Open Genetics Repository (COGR). Not counted in ClinVar's aggregate classification.

Foulkes Cancer Genetics LDI, Lady Davis Institute for Medical Research
Classification: Pathogenic for Breast and/or ovarian cancer. Last evaluated: 2013-07-10. Review status: no assertion criteria provided. Collection method: clinical testing. Allele origin: germline. Study: The Canadian Open Genetics Repository (COGR). Not counted in ClinVar's aggregate classification.

Sharing Clinical Reports Project (SCRP)
Classification: Pathogenic for Breast-ovarian cancer, familial 2. Last evaluated: 2012-06-22. Review status: no assertion criteria provided. Collection method: clinical testing. Allele origin: germline. Not counted in ClinVar's aggregate classification.

Breast Cancer Information Core (BIC) (BRCA2)
Classification: Pathogenic for Breast-ovarian cancer, familial 2. Last evaluated: 2002-05-29. Review status: no assertion criteria provided. Collection method: clinical testing. Allele origin: germline, unknown. Affected: yes. Observed: 18 variant alleles. Not counted in ClinVar's aggregate classification.

OMIM
Classification: Pathogenic for BREAST-OVARIAN CANCER, FAMILIAL, SUSCEPTIBILITY TO, 2. Last evaluated: 1995-12-21. Review status: no assertion criteria provided. Collection method: literature only. Allele origin: germline. Not counted in ClinVar's aggregate classification.

Department of Pathology and Laboratory Medicine, Sinai Health System
Classification: Pathogenic. Review status: no assertion criteria provided. Collection method: clinical testing. Allele origin: unknown. Affected: yes. Study: The Canadian Open Genetics Repository (COGR). Not counted in ClinVar's aggregate classification.
Comment: The BRCA2 p.Glu2198Asnfs*4 variant was identified in 12 of 8442 proband chromosomes (frequency: 0.001) from individuals or families with breast, prostate and pancreatic cancer (Edwards 2010, Gayther 1997, Hahn 2003, Mitra 2008,Nedelcu 2002, Zhang 2011, Zhang 2012, van der Hout 2006). The variant was also identified in dbSNP (ID: rs80359605) as â€šÃ„ÃºWith Pathogenic alleleâ€šÃ„Ã¹, Clinvitae database (pathogenic by ClinVar and Invitae), ARUP Laboratories BRCA Mutations Database (definitely pathogenic), the ClinVar database (pathogenic by Invitae, Ambry Genetics, GeneDx, QDNISJC, BIC,OMIM,SCRP), COGR database (pathogenic, by a clinical laboratories MESHWCR, QUEENSU and NYG ), the BIC database (48X with clinical importance), and UMD (18X with a â€šÃ„Ãºcausalâ€šÃ„Ã¹ classification). The p.Glu2198Asnfs*4 variant is predicted to cause a frameshift, which alters the protein's amino acid sequence beginning at codon 2198 and leads to a premature stop codon 4 codons downstream. This alteration is then predicted to result in a truncated or absent protein and loss of function. Loss of function variants of the BRCA2 gene are an established mechanism of disease in hereditary breast and ovarian cancer and is the type of variant expected to cause the disorder. In summary, based on the above information, this variant meets our laboratoryâ€šÃ„Ã´s criteria to be classified as pathogenic.

Literature cited by the submitters: PubMed 20104584 (cited by Labcorp Genetics (formerly Invitae), Labcorp); PubMed 8524414 (cited by 3 submitters); PubMed 16683254 (cited by 4 submitters); PubMed 20736950 (cited by 4 submitters); PubMed 21324516 (cited by 5 submitters); PubMed 23569316 (cited by 6 submitters); PubMed 26187060 (cited by 4 submitters); PubMed 26219728 (cited by 3 submitters); PubMed 27433846 (cited by 4 submitters); PubMed 29371908 (cited by 3 submitters); PubMed 31853058 (cited by Color Diagnostics, LLC DBA Color Health); PubMed 32438681 (cited by Color Diagnostics, LLC DBA Color Health and Quest Diagnostics Nichols Institute San Juan Capistrano); PubMed 35908255 (cited by Color Diagnostics, LLC DBA Color Health and Quest Diagnostics Nichols Institute San Juan Capistrano); PubMed 39029294 (cited by Quest Diagnostics Nichols Institute San Juan Capistrano); PubMed 30702160 (cited by Quest Diagnostics Nichols Institute San Juan Capistrano); PubMed 28687356 (cited by Quest Diagnostics Nichols Institute San Juan Capistrano and Ambry Genetics); PubMed 20301425 (cited by Variantyx, Inc.); PubMed 2621972 (cited by Variantyx, Inc.); PubMed 12569143 (cited by Ambry Genetics and Sema4); PubMed 11802209 (cited by 3 submitters); PubMed 17148771 (cited by Women's Health and Genetics/Laboratory Corporation of America, LabCorp); PubMed 8988179 (cited by Women's Health and Genetics/Laboratory Corporation of America, LabCorp and Sema4); PubMed 11938448 (cited by Women's Health and Genetics/Laboratory Corporation of America, LabCorp and Counsyl); PubMed 21614564 (cited by Women's Health and Genetics/Laboratory Corporation of America, LabCorp and Sema4); PubMed 25395318 (cited by Women's Health and Genetics/Laboratory Corporation of America, LabCorp); PubMed 11267991 (cited by Women's Health and Genetics/Laboratory Corporation of America, LabCorp); PubMed 29446198 (cited by Sema4); PubMed 32295079 (cited by CZECANCA consortium); PubMed 12672316 (cited by Counsyl).